The following is an entry in ClinVar:

ClinVar aggregate classification (germline): Uncertain significance. Review status: criteria provided, multiple submitters, no conflicts (2 of 4 stars). 2 submissions from 2 submitters: Uncertain significance (2). Last evaluated 2025-07-28.

Conditions:
Neuroblastoma, susceptibility to, 3. Also called: ALK-Related Neuroblastic Tumor Susceptibility. Identifiers: Orphanet 635, MedGen C2751681, MONDO:0013083, OMIM 613014.
Hereditary cancer-predisposing syndrome. Also called: Hereditary Cancer Syndrome; Tumor predisposition; Hereditary neoplastic syndrome; Neoplastic Syndromes, Hereditary. Identifiers: Orphanet 140162, MedGen C0027672, MeSH D009386, MONDO:0015356.

gnomAD v4.1: 5 of 1,613,676 alleles (0.00031%); highest among the groups gnomAD compares: East Asian, 0.011%; no homozygotes.

Submissions (2):

Ambry Genetics
Classification: Uncertain significance for Hereditary cancer-predisposing syndrome. Last evaluated: 2025-07-28. Review status: criteria provided, single submitter. Criteria: Ambry Variant Classification Scheme 2023. Collection method: clinical testing. Allele origin: germline.
Comment: The p.P1350L variant (also known as c.4049C>T), located in coding exon 27 of the ALK gene, results from a C to T substitution at nucleotide position 4049. The proline at codon 1350 is replaced by leucine, an amino acid with similar properties. This amino acid position is highly conserved in available vertebrate species. In addition, the in silico prediction for this alteration is inconclusive. Based on the available evidence, the clinical significance of this variant remains unclear.

Labcorp Genetics (formerly Invitae), Labcorp
Classification: Uncertain significance for Neuroblastoma, susceptibility to, 3. Last evaluated: 2024-06-10. Review status: criteria provided, single submitter. Criteria: Invitae Variant Classification Sherloc (09022015). Collection method: clinical testing. Allele origin: germline.
Comment: This sequence change replaces proline, which is neutral and non-polar, with leucine, which is neutral and non-polar, at codon 1350 of the ALK protein (p.Pro1350Leu). This variant is not present in population databases (gnomAD no frequency). This variant has not been reported in the literature in individuals affected with ALK-related conditions. An algorithm developed to predict the effect of missense changes on protein structure and function (PolyPhen-2) suggests that this variant is likely to be disruptive. In summary, the available evidence is currently insufficient to determine the role of this variant in disease. Therefore, it has been classified as a Variant of Uncertain Significance.

NM_004304.5(ALK):c.4049C>T (p.Pro1350Leu)

Gene: ALK (ALK receptor tyrosine kinase; minus strand). Cytogenetic location: 2p23.2.
Variant type: single nucleotide variant.
Coding change: c.4049C>T on transcript NM_004304.5 (MANE Select); coding-DNA position 4049, C replaced by T.
Protein change: p.Pro1350Leu; replaces proline 1350 with leucine.
Molecular consequence: missense variant.
Genome position (GRCh38, 1-based): chr2:29,197,566, G>A on the plus strand (C>T on the coding strand, the complement: ALK is on the minus strand). VCF-style: chr2-29197566-G-A. GRCh37 (hg19) VCF-style: chr2-29420432-G-A.
Other names: c.4049C>T (NM_004304.4); c.845C>T, p.Pro282Leu (NM_001353765.2); short protein forms P1350L, P282L.
Identifiers: ClinVar variation 3676803 (VCV003676803.3).